The following is an entry in ClinVar:

ClinVar aggregate classification (germline): Uncertain significance (1 of 4 stars; one submission).

Conditions:
FGA-related disorder. Also called: FGA-related condition; FGA-related disorders.

Submission:

PreventionGenetics, part of Exact Sciences
Classification: Uncertain significance for FGA-related condition. Last evaluated: 2026-06-09. Review status: criteria provided, single submitter. Criteria: ACMG Guidelines, 2015. Collection method: clinical testing. Allele origin: germline.
Comment: The FGA c.664C>A variant is predicted to result in the amino acid substitution p.Pro222Thr. To our knowledge, this variant has not been reported in the literature. This variant is reported in 0.0029% of alleles in individuals of Latino descent in gnomAD. At this time, the clinical significance of this variant is uncertain due to the absence of conclusive functional and genetic evidence.

NM_021871.4(FGA):c.664C>A (p.Pro222Thr)

Gene: FGA (fibrinogen alpha chain; minus strand). Cytogenetic location: 4q31.3.
Variant type: single nucleotide variant.
Coding change: c.664C>A on transcript NM_021871.4 (MANE Select); coding-DNA position 664, C replaced by A.
Protein change: p.Pro222Thr; replaces proline 222 with threonine.
Molecular consequence: missense variant.
Genome position (GRCh38, 1-based): chr4:154,586,765, G>T on the plus strand (C>A on the coding strand, the complement: FGA is on the minus strand). VCF-style: chr4-154586765-G-T. GRCh37 (hg19) VCF-style: chr4-155507917-G-T.
Other names: c.664C>A, p.Pro222Thr (NM_000508.5); short protein forms P222T.
Identifiers: ClinVar variation 4977820 (VCV004977820.1).